The following is an entry in ClinVar:

NM_000492.4(CFTR):c.1679+3G>A

Genes: CFTR (CF transmembrane conductance regulator; plus strand), LOC111674475 (CFTR intron 11 enhancer; plus strand). Cytogenetic location: 7q31.2.
Variant type: single nucleotide variant.
Coding change: c.1679+3G>A on transcript NM_000492.4 (MANE Select); 3 bases into the intron after coding-DNA position 1679, G replaced by A.
Molecular consequence: intron variant.
Genome position (GRCh38, 1-based): chr7:117,587,836, G>A. VCF-style: chr7-117587836-G-A. GRCh37 (hg19) VCF-style: chr7-117227890-G-A.
Identifiers: ClinVar variation 4847919 (VCV004847919.1).

ClinVar aggregate classification (germline): Uncertain significance (1 of 4 stars; one submission).

Submission:

Women's Health and Genetics/Laboratory Corporation of America, LabCorp
Classification: Uncertain significance. Last evaluated: 2026-02-11. Review status: criteria provided, single submitter. Criteria: LabCorp Variant Classification Summary - May 2015. Collection method: clinical testing. Allele origin: germline.
Comment: Variant summary: CFTR c.1679+3G>A alters a conserved nucleotide located close to a canonical splice site and therefore could affect mRNA splicing, leading to a significantly altered protein sequence. Consensus agreement among computation tools predict no significant impact on normal splicing. However, these predictions have yet to be confirmed by functional studies. The variant was absent in 250328 control chromosomes. The available data on variant occurrences in the general population are insufficient to allow any conclusion about variant significance. c.1679+3G>A has been observed in at least two individuals affected with Cystic Fibrosis (example: Terzic_2019). These reports do not provide unequivocal conclusions about association of the variant with Cystic Fibrosis. To our knowledge, no experimental evidence demonstrating an impact on protein function has been reported. The following publication has been ascertained in the context of this evaluation (PMID: 31523618). No submitters have cited clinical-significance assessments for this variant to ClinVar. Based on the evidence outlined above, the variant was classified as uncertain significance.

Literature cited by the submitters: PubMed 31523618.